The following is an entry in ClinVar:

ClinVar aggregate classification (germline): Conflicting classifications of pathogenicity. Review status: criteria provided, conflicting classifications (1 of 4 stars). 7 submissions from 7 submitters: Uncertain significance (5); Likely benign (2). Last evaluated 2025-12-08.

Conditions:
Hereditary cancer-predisposing syndrome. Also called: Tumor predisposition; Hereditary Cancer Syndrome; Hereditary neoplastic syndrome; Neoplastic Syndromes, Hereditary. Identifiers: Orphanet 140162, MedGen C0027672, MeSH D009386, MONDO:0015356.
Lynch syndrome. Identifiers: Orphanet 144, MedGen C4552100, MONDO:0005835. Disease mechanism: loss of function.
Mismatch repair cancer syndrome 3. Identifiers: MedGen C5436807, MONDO:0030841, OMIM 619097.
Lynch syndrome 5 (LYNCH5). Also called: Hereditary non-polyposis colorectal cancer, type 5; Colorectal cancer, hereditary nonpolyposis, type 5. Identifiers: Orphanet 144, MedGen C1833477, MONDO:0013710, OMIM 614350. Disease mechanism: loss of function.
Endometrial carcinoma. Also called: Endometrial carcinoma, somatic. Identifiers: MedGen C0476089, MONDO:0002447, OMIM 608089, HP:0012114.
Hereditary nonpolyposis colorectal neoplasms. Identifiers: MedGen C0009405, MeSH D003123.

Allele frequency attached by ClinVar (database versions not stated): gnomAD exomes 0.00001 and 0.00004; TOPMed 0.00002; ExAC 0.00003; gnomAD 0.00003.
gnomAD v4.1: 10 of 1,614,116 alleles (0.00062%); highest among the groups gnomAD compares: East Asian, 0.022%; no homozygotes.

Submissions (7):

Labcorp Genetics (formerly Invitae), Labcorp
Classification: Likely benign for Hereditary nonpolyposis colorectal neoplasms. Last evaluated: 2025-12-08. Review status: criteria provided, single submitter. Criteria: Invitae Variant Classification Sherloc (09022015). Collection method: clinical testing. Allele origin: germline.

Color Diagnostics, LLC DBA Color Health
Classification: Uncertain significance for Hereditary cancer-predisposing syndrome. Last evaluated: 2025-06-24. Review status: criteria provided, single submitter. Criteria: ACMG Guidelines, 2015. Collection method: clinical testing. Allele origin: germline.
Comment: This missense variant replaces alanine with serine at codon 940 of the MSH6 protein. Computational prediction suggests that this variant may have deleterious impact on protein structure and function. To our knowledge, functional studies have not been reported for this variant. This variant has not been reported in individuals affected with MSH6-related disorders in the literature. This variant has been identified in 10/281986 chromosomes in the general population by the Genome Aggregation Database (gnomAD). The available evidence is insufficient to determine the role of this variant in disease conclusively. Therefore, this variant is classified as a Variant of Uncertain Significance.

Department of Pathology and Laboratory Medicine, Sinai Health System
Classification: Uncertain significance for Endometrial carcinoma; Lynch syndrome 5; Mismatch repair cancer syndrome 3. Last evaluated: 2024-08-26. Review status: criteria provided, single submitter. Criteria: ACMG Guidelines, 2015. Collection method: clinical testing. Allele origin: germline.

Baylor Genetics
Classification: Uncertain significance for Endometrial carcinoma. Last evaluated: 2024-03-27. Review status: criteria provided, single submitter. Criteria: ACMG Guidelines, 2015. Collection method: clinical testing. Allele origin: unknown.

Women's Health and Genetics/Laboratory Corporation of America, LabCorp
Classification: Uncertain significance. Last evaluated: 2024-03-02. Review status: criteria provided, single submitter. Criteria: LabCorp Variant Classification Summary - May 2015. Collection method: clinical testing. Allele origin: germline.

All of Us Research Program, National Institutes of Health
Classification: Uncertain significance for Lynch syndrome. Last evaluated: 2023-12-13. Review status: criteria provided, single submitter. Criteria: ACMG Guidelines, 2015. Collection method: clinical testing. Allele origin: germline. Inheritance: Autosomal dominant inheritance. Observed: 3 variant alleles, 3 heterozygotes.
Comment: This missense variant replaces alanine with serine at codon 940 of the MSH6 protein. Computational prediction tool suggests that this variant may have deleterious impact on protein structure and function (internally defined REVEL score threshold >= 0.7, PMID: 27666373). Splice site prediction tools suggest that this variant may not impact RNA splicing. To our knowledge, functional studies have not been performed for this variant. This variant has not been reported in individuals affected with hereditary cancer in the literature. This variant has been identified in 10/281986 chromosomes in the general population by the Genome Aggregation Database (gnomAD). The available evidence is insufficient to determine the role of this variant in disease conclusively. Therefore, this variant is classified as a Variant of Uncertain Significance.

This study involves interpretation of variants in research participants for the purpose of population health screening. Participant phenotype was not available at the time of variant classification. Additional details can be found in publication PMID: 35346344, PMCID: PMC8962531

Ambry Genetics
Classification: Likely benign for Hereditary cancer-predisposing syndrome. Last evaluated: 2023-10-03. Review status: criteria provided, single submitter. Criteria: Ambry Variant Classification Scheme 2023. Collection method: clinical testing. Allele origin: germline.

NM_000179.3(MSH6):c.2818G>T (p.Ala940Ser)

Gene: MSH6 (mutS homolog 6; plus strand). Cytogenetic location: 2p16.3.
Variant type: single nucleotide variant.
Coding change: c.2818G>T on transcript NM_000179.3 (MANE Select); coding-DNA position 2818, G replaced by T.
Protein change: p.Ala940Ser; replaces alanine 940 with serine.
Molecular consequence: missense variant.
Genome position (GRCh38, 1-based): chr2:47,800,801, G>T. VCF-style: chr2-47800801-G-T. GRCh37 (hg19) VCF-style: chr2-48027940-G-T.
Other names: c.2428G>T, p.Ala810Ser (NM_001281492.2); c.1912G>T, p.Ala638Ser (NM_001281493.2, NM_001281494.2); short protein forms A940S, A810S, A638S.
Identifiers: ClinVar variation 410500 (VCV000410500.25), dbSNP rs772978164, ClinGen allele CA069657.